The following is an entry in ClinVar:

ClinVar aggregate classification (germline): Uncertain significance. Review status: criteria provided, single submitter (1 of 4 stars). 2 submissions from 2 submitters: Uncertain significance (1). 1 of the submissions does not count toward it. Last evaluated 2022-07-19.

Conditions:
Usher syndrome type 2A. Also called: RETINAL DISEASE IN USHER SYNDROME TYPE IIA, MODIFIER OF; USHER SYNDROME, TYPE IIA. Identifiers: Orphanet 231178, Orphanet 886, MedGen C1848634, MONDO:0010169, OMIM 276901.

Allele frequency attached by ClinVar (database versions not stated): gnomAD exomes below 0.00001 and 0.00001; gnomAD 0.00001; TOPMed 0.00002.
gnomAD v4.1: 4 of 1,613,986 alleles (0.00025%); highest among the groups gnomAD compares: Admixed American, 0.0017%; no homozygotes.

Submissions (2):

Labcorp Genetics (formerly Invitae), Labcorp
Classification: Uncertain significance. Last evaluated: 2022-07-19. Review status: criteria provided, single submitter. Criteria: Invitae Variant Classification Sherloc (09022015). Collection method: clinical testing. Allele origin: germline.
Comment: This sequence change replaces threonine, which is neutral and polar, with isoleucine, which is neutral and non-polar, at codon 907 of the USH2A protein (p.Thr907Ile). This variant is present in population databases (no rsID available, gnomAD 0.003%). This missense change has been observed in individual(s) with clinical features of USH2A-related conditions (Invitae). ClinVar contains an entry for this variant (Variation ID: 842442). Algorithms developed to predict the effect of missense changes on protein structure and function (SIFT, PolyPhen-2, Align-GVGD) all suggest that this variant is likely to be disruptive. In summary, the available evidence is currently insufficient to determine the role of this variant in disease. Therefore, it has been classified as a Variant of Uncertain Significance.

Natera, Inc.
Classification: Uncertain significance for Usher syndrome type 2A. Last evaluated: 2021-03-23. Review status: no assertion criteria provided. Collection method: clinical testing. Allele origin: germline. Not counted in ClinVar's aggregate classification.

NM_206933.4(USH2A):c.2720C>T (p.Thr907Ile)

Genes: USH2A (usherin; minus strand), LOC122152296 (Sharpr-MPRA regulatory region 8762; plus strand). Cytogenetic location: 1q41.
Variant type: single nucleotide variant.
Coding change: c.2720C>T on transcript NM_206933.4 (MANE Select); coding-DNA position 2720, C replaced by T.
Protein change: p.Thr907Ile; replaces threonine 907 with isoleucine.
Molecular consequence: missense variant.
Genome position (GRCh38, 1-based): chr1:216,246,674, G>A on the plus strand (C>T on the coding strand, the complement: USH2A is on the minus strand). VCF-style: chr1-216246674-G-A. GRCh37 (hg19) VCF-style: chr1-216420016-G-A.
Other names: c.2720C>T, p.Thr907Ile (NM_007123.6); short protein forms T907I.
Identifiers: ClinVar variation 842442 (VCV000842442.10), dbSNP rs932726287, ClinGen allele CA37501070.
Genomic context (GRCh38, chr1:216,246,674, plus strand): 5'-TGACGATTAGGCACACACAGGCACTGGCCACTGATTGGGTCACAAATGGTCCCAGGTAAT[G>A]TCCCCAAGGAATCACACTCACACATCTGGCAGTGTTGAAAATTGTCAATGGTCAAATTGT-3'
Protein context (NP_996816.3, residues 897-917): CQMCECDSLG[Thr907Ile]LPGTICDPIS